The following is an entry in ClinVar:

ClinVar aggregate classification (germline): Uncertain significance (1 of 4 stars; one submission).

Conditions:
MC4R-related disorder. Also called: MC4R-related condition.

gnomAD v4.1: 2 of 1,614,094 alleles (0.00012%); highest among the groups gnomAD compares: East Asian, 0.0022%; no homozygotes.

Submission:

PreventionGenetics, part of Exact Sciences
Classification: Uncertain significance for MC4R-related condition. Last evaluated: 2025-01-08. Review status: criteria provided, single submitter. Criteria: ACMG Guidelines, 2015. Collection method: clinical testing. Allele origin: germline.
Comment: The MC4R c.259G>A variant is predicted to result in the amino acid substitution p.Ala87Thr. To our knowledge, this variant has not been reported in the literature or in a large population database (gnomAD), indicating this variant is rare. At this time, the clinical significance of this variant is uncertain due to the absence of conclusive functional and genetic evidence.

NM_005912.3(MC4R):c.259G>A (p.Ala87Thr)

Gene: MC4R (melanocortin 4 receptor; minus strand). Cytogenetic location: 18q21.32.
Variant type: single nucleotide variant.
Coding change: c.259G>A on transcript NM_005912.3 (MANE Select); coding-DNA position 259, G replaced by A.
Protein change: p.Ala87Thr; replaces alanine 87 with threonine.
Molecular consequence: missense variant.
Genome position (GRCh38, 1-based): chr18:60,372,091, C>T on the plus strand (G>A on the coding strand, the complement: MC4R is on the minus strand). VCF-style: chr18-60372091-C-T. GRCh37 (hg19) VCF-style: chr18-58039324-C-T.
Other names: short protein forms A87T.
Identifiers: ClinVar variation 4981903 (VCV004981903.1).